The following is an entry in ClinVar:

ClinVar aggregate classification (germline): Likely benign (1 of 4 stars; one submission).

gnomAD v4.1: 16 of 1,613,996 alleles (0.00099%); highest among the groups gnomAD compares: African/African-American, 0.0053%; no homozygotes.

Submission:

CeGaT Center for Human Genetics Tuebingen
Classification: Likely benign. Last evaluated: 2026-01-01. Review status: criteria provided, single submitter. Criteria: CeGaT Center For Human Genetics Tuebingen Variant Classification Criteria Version 2. Collection method: clinical testing. Allele origin: germline. Affected: yes. Observed: 1 variant allele.
Comment: SETX: BP4, BP7

NM_015046.7(SETX):c.1596A>G (p.Gln532=)

Gene: SETX (senataxin; minus strand). Cytogenetic location: 9q34.13.
Variant type: single nucleotide variant.
Coding change: c.1596A>G on transcript NM_015046.7 (MANE Select); coding-DNA position 1596, A replaced by G.
Protein change: p.Gln532=; no amino-acid change (glutamine 532 retained).
Molecular consequence: synonymous variant.
Genome position (GRCh38, 1-based): chr9:132,330,002, T>C on the plus strand (A>G on the coding strand, the complement: SETX is on the minus strand). VCF-style: chr9-132330002-T-C. GRCh37 (hg19) VCF-style: chr9-135205389-T-C.
Other names: c.1596A>G, p.Gln532= (NM_001351527.2, NM_001351528.2).
Identifiers: ClinVar variation 4822223 (VCV004822223.4).